The following is an entry in ClinVar:

NM_017849.4(TMEM127):c.125C>T (p.Thr42Met)

Genes: TMEM127 (transmembrane protein 127; minus strand), LOC129934333 (ATAC-STARR-seq lymphoblastoid silent region 11759; plus strand). Cytogenetic location: 2q11.2.
Variant type: single nucleotide variant.
Coding change: c.125C>T on transcript NM_017849.4 (MANE Select); coding-DNA position 125, C replaced by T.
Protein change: p.Thr42Met; replaces threonine 42 with methionine.
Molecular consequence: missense variant. On other transcripts: intron variant (1).
Genome position (GRCh38, 1-based): chr2:96,265,257, G>A on the plus strand (C>T on the coding strand, the complement: TMEM127 is on the minus strand). VCF-style: chr2-96265257-G-A. GRCh37 (hg19) VCF-style: chr2-96930995-G-A.
Other names: c.125C>T, p.Thr42Met (NM_001193304.3); c.-9+612C>T (NM_001407283.1); short protein forms T42M.
Identifiers: ClinVar variation 4538935 (VCV004538935.2).

ClinVar aggregate classification (germline): Uncertain significance. Review status: criteria provided, multiple submitters, no conflicts (2 of 4 stars). 2 submissions from 2 submitters: Uncertain significance (2). Last evaluated 2025-12-31.

Conditions:
Hereditary cancer-predisposing syndrome. Also called: Neoplastic Syndromes, Hereditary; Tumor predisposition; Hereditary Cancer Syndrome; Hereditary neoplastic syndrome. Identifiers: Orphanet 140162, MedGen C0027672, MeSH D009386, MONDO:0015356.

Submissions (2):

Ambry Genetics
Classification: Uncertain significance for Hereditary cancer-predisposing syndrome. Last evaluated: 2025-12-31. Review status: criteria provided, single submitter. Criteria: Ambry Variant Classification Scheme 2023. Collection method: clinical testing. Allele origin: germline.
Comment: The p.T42M variant (also known as c.125C>T), located in coding exon 1 of the TMEM127 gene, results from a C to T substitution at nucleotide position 125. The threonine at codon 42 is replaced by methionine, an amino acid with similar properties. This amino acid position is highly conserved in available vertebrate species. In addition, the in silico prediction for this alteration is inconclusive. Based on the available evidence, the clinical significance of this variant remains unclear.

GeneDx
Classification: Uncertain significance. Last evaluated: 2025-06-20. Review status: criteria provided, single submitter. Criteria: GeneDx Variant Classification Process June 2021. Collection method: clinical testing. Allele origin: germline. Affected: yes.
Comment: Not observed at significant frequency in large population cohorts (gnomAD); In silico analysis suggests that this missense variant does not alter protein structure/function; Has not been previously published as pathogenic or benign to our knowledge